The following is an entry in ClinVar:

ClinVar aggregate classification (germline): Uncertain significance (1 of 4 stars; one submission).

gnomAD v4.1: 2 of 1,614,138 alleles (0.00012%); highest among the groups gnomAD compares: Admixed American, 0.0017%; no homozygotes.

Submission:

GeneDx
Classification: Uncertain significance. Last evaluated: 2024-10-08. Review status: criteria provided, single submitter. Criteria: GeneDx Variant Classification Process June 2021. Collection method: clinical testing. Allele origin: germline. Affected: yes.
Comment: Not observed at significant frequency in large population cohorts (gnomAD); In silico analysis is inconclusive as to whether the variant alters gene splicing. In the absence of RNA/functional studies, the actual effect of this sequence change is unknown.; In silico analysis indicates that this missense variant does not alter protein structure/function; Has not been previously published as pathogenic or benign to our knowledge

NM_004562.3(PRKN):c.533A>G (p.Gln178Arg)

Genes: PRKN (parkin RBR E3 ubiquitin protein ligase; minus strand), LOC126859871 (MED14-independent group 3 enhancer GRCh37_chr6:162621359-162622558; plus strand). Cytogenetic location: 6q26.
Variant type: single nucleotide variant.
Coding change: c.533A>G on transcript NM_004562.3 (MANE Select); coding-DNA position 533, A replaced by G.
Protein change: p.Gln178Arg; replaces glutamine 178 with arginine.
Molecular consequence: missense variant. On other transcripts: intron variant (1).
Genome position (GRCh38, 1-based): chr6:162,201,132, T>C on the plus strand (A>G on the coding strand, the complement: PRKN is on the minus strand). VCF-style: chr6-162201132-T-C. GRCh37 (hg19) VCF-style: chr6-162622164-T-C.
Other names: c.533A>G, p.Gln178Arg (NM_013987.3); c.172-227715A>G (NM_013988.3); short protein forms Q178R.
Identifiers: ClinVar variation 3777501 (VCV003777501.1).
Genomic context (GRCh38, chr6:162,201,132, plus strand): 5'-AATGTGTTAGTACACATTCATTTTCCTGGCAGTCTCATGCTGACACTGCATTTCCTTACC[T>C]GGGTCAAGGTGAGCGTTGCCTGCCTGCAGGTGCTGCACTGTACCCTGAGTTTTCCCGGCT-3'
Protein context (NP_004553.2, residues 168-188): TCRQATLTLT[Gln178Arg]GPSCWDDVLI